The following is an entry in ClinVar:

NM_000038.6(APC):c.5481C>T (p.Leu1827=)

Gene: APC (APC regulator of Wnt signaling pathway; plus strand). Cytogenetic location: 5q22.2.
Variant type: single nucleotide variant.
Coding change: c.5481C>T on transcript NM_000038.6 (MANE Select); coding-DNA position 5481, C replaced by T.
Protein change: p.Leu1827=; no amino-acid change (leucine 1827 retained).
Molecular consequence: synonymous variant.
Genome position (GRCh38, 1-based): chr5:112,841,075, C>T. VCF-style: chr5-112841075-C-T. GRCh37 (hg19) VCF-style: chr5-112176772-C-T.
Other names: c.5481C>T, p.Leu1827= (NM_001127510.3, NM_001354895.2); c.5427C>T, p.Leu1809= (NM_001127511.3); c.5535C>T, p.Leu1845= (NM_001354896.2); c.5511C>T, p.Leu1837= (NM_001354897.2); c.5406C>T, p.Leu1802= (NM_001354898.2); c.5397C>T, p.Leu1799= (NM_001354899.2); c.5358C>T, p.Leu1786= (NM_001354900.2); c.5304C>T, p.Leu1768= (NM_001354901.2); and 5 more.
Identifiers: ClinVar variation 470009 (VCV000470009.18), dbSNP rs774567729, ClinGen allele CA042069.
Genomic context (GRCh38, chr5:112,841,075, plus strand): 5'-CAACAAAGATTCAAAGAAACAGAATTTGAAAAATAATTCCAAGGTCTTCAATGATAAGCT[C>T]CCAAATAATGAAGATAGAGTCAGAGGAAGTTTTGCTTTTGATTCACCTCATCATTACACG-3'
Protein context (NP_000029.2, residues 1817-1837): KNNSKVFNDK[Leu1827=]PNNEDRVRGS

ClinVar aggregate classification (germline): Benign/Likely benign. Review status: criteria provided, multiple submitters, no conflicts (2 of 4 stars). 4 submissions from 4 submitters: Benign (1); Likely benign (3). Last evaluated 2025-11-24.

Conditions:
Familial adenomatous polyposis 1 (FAP1). Also called: POLYPOSIS, ADENOMATOUS INTESTINAL; FAMILIAL ADENOMATOUS POLYPOSIS 1, ATTENUATED. Identifiers: MedGen C2713442, MONDO:0021056, OMIM 175100. Disease mechanism: loss of function.
Hereditary cancer-predisposing syndrome. Also called: Hereditary neoplastic syndrome; Neoplastic Syndromes, Hereditary; Tumor predisposition; Hereditary Cancer Syndrome. Identifiers: Orphanet 140162, MedGen C0027672, MeSH D009386, MONDO:0015356.

Allele frequency attached by ClinVar (database versions not stated): gnomAD exomes below 0.00001; ExAC 0.00001.
gnomAD v4.1: 16 of 1,612,798 alleles (0.00099%); highest among the groups gnomAD compares: Non-Finnish European, 0.0014%; no homozygotes.

Submissions (4):

Labcorp Genetics (formerly Invitae), Labcorp
Classification: Likely benign for Familial adenomatous polyposis 1. Last evaluated: 2025-11-24. Review status: criteria provided, single submitter. Criteria: Invitae Variant Classification Sherloc (09022015). Collection method: clinical testing. Allele origin: germline.

Myriad Genetics, Inc.
Classification: Benign for Familial adenomatous polyposis 1. Last evaluated: 2024-04-02. Review status: criteria provided, single submitter. Criteria: Myriad Autosomal Dominant, Autosomal Recessive and X-Linked Classification Criteria (2023). Collection method: clinical testing. Allele origin: unknown.
Comment: This variant is considered benign. This variant is a silent/synonymous amino acid change and it is not expected to impact splicing.

Ambry Genetics
Classification: Likely benign for Hereditary cancer-predisposing syndrome. Last evaluated: 2023-02-05. Review status: criteria provided, single submitter. Criteria: Ambry Variant Classification Scheme 2023. Collection method: clinical testing. Allele origin: germline.

Color Diagnostics, LLC DBA Color Health
Classification: Likely benign for Hereditary cancer-predisposing syndrome. Last evaluated: 2018-11-28. Review status: criteria provided, single submitter. Criteria: ACMG Guidelines, 2015. Collection method: clinical testing. Allele origin: germline.